The following is an entry in ClinVar:

ClinVar aggregate classification (germline): Likely benign. Review status: criteria provided, multiple submitters, no conflicts (2 of 4 stars). 2 submissions from 2 submitters: Likely benign (2). Last evaluated 2025-01-08.

Conditions:
FAT4-related disorder. Also called: FAT4-related condition.

Allele frequency attached by ClinVar (database versions not stated): gnomAD 0.00001.
gnomAD v4.1: 1 of 1,609,698 alleles (0.000062%); highest among the groups gnomAD compares: Non-Finnish European, 0.000085%; no homozygotes.

Submissions (2):

Labcorp Genetics (formerly Invitae), Labcorp
Classification: Likely benign. Last evaluated: 2025-01-08. Review status: criteria provided, single submitter. Criteria: Invitae Variant Classification Sherloc (09022015). Collection method: clinical testing. Allele origin: germline.

PreventionGenetics, part of Exact Sciences
Classification: Likely benign for FAT4-related condition. Last evaluated: 2024-12-12. Review status: criteria provided, single submitter. Criteria: ACMG Guidelines, 2015. Collection method: clinical testing. Allele origin: germline.
Comment: This variant is classified as likely benign based on ACMG/AMP sequence variant interpretation guidelines (Richards et al. 2015 PMID: 25741868, with internal and published modifications).

NM_001291303.3(FAT4):c.918G>C (p.Thr306=)

Gene: FAT4 (FAT atypical cadherin 4; plus strand). Cytogenetic location: 4q28.1.
Variant type: single nucleotide variant.
Coding change: c.918G>C on transcript NM_001291303.3 (MANE Select); coding-DNA position 918, G replaced by C.
Protein change: p.Thr306=; no amino-acid change (threonine 306 retained).
Molecular consequence: synonymous variant.
Genome position (GRCh38, 1-based): chr4:125,317,329, G>C. VCF-style: chr4-125317329-G-C. GRCh37 (hg19) VCF-style: chr4-126238484-G-C.
Other names: c.918G>C, p.Thr306= (NM_001291285.3, NM_024582.6); c.918G>C (NM_024582.4).
Identifiers: ClinVar variation 2995839 (VCV002995839.4), dbSNP rs749113024, ClinGen allele CA441366123.